The following is an entry in ClinVar:

ClinVar aggregate classification (germline): Uncertain significance. Review status: criteria provided, multiple submitters, no conflicts (2 of 4 stars). 3 submissions from 3 submitters: Uncertain significance (3). Last evaluated 2024-01-20.

Conditions:
Polyps, multiple and recurrent inflammatory fibroid, gastrointestinal. Identifiers: MedGen C5193005, MONDO:0008285, OMIM 175510.
Hereditary cancer-predisposing syndrome. Also called: Neoplastic Syndromes, Hereditary; Tumor predisposition; Hereditary Cancer Syndrome; Hereditary neoplastic syndrome. Identifiers: Orphanet 140162, MedGen C0027672, MeSH D009386, MONDO:0015356.
Gastrointestinal stromal tumor. Also called: Gastrointestinal stromal tumor, somatic; Gastrointestinal stroma tumor. Identifiers: Orphanet 44890, MedGen C0238198, MeSH D046152, MONDO:0011719, OMIM 606764, HP:0100723.

Submissions (3):

Baylor Genetics
Classification: Uncertain significance for Polyps, multiple and recurrent inflammatory fibroid, gastrointestinal. Last evaluated: 2024-01-20. Review status: criteria provided, single submitter. Criteria: ACMG Guidelines, 2015. Collection method: clinical testing. Allele origin: unknown.

Ambry Genetics
Classification: Uncertain significance for Hereditary cancer-predisposing syndrome. Last evaluated: 2023-09-16. Review status: criteria provided, single submitter. Criteria: Ambry Variant Classification Scheme 2023. Collection method: clinical testing. Allele origin: germline.
Comment: The p.Y768H variant (also known as c.2302T>C), located in coding exon 15 of the PDGFRA gene, results from a T to C substitution at nucleotide position 2302. The tyrosine at codon 768 is replaced by histidine, an amino acid with similar properties. This amino acid position is conserved. In addition, this alteration is predicted to be tolerated by in silico analysis. Since supporting evidence is limited at this time, the clinical significance of this alteration remains unclear.

Labcorp Genetics (formerly Invitae), Labcorp
Classification: Uncertain significance for Gastrointestinal stromal tumor. Last evaluated: 2022-01-20. Review status: criteria provided, single submitter. Criteria: Invitae Variant Classification Sherloc (09022015). Collection method: clinical testing. Allele origin: germline.
Comment: In summary, the available evidence is currently insufficient to determine the role of this variant in disease. Therefore, it has been classified as a Variant of Uncertain Significance. Algorithms developed to predict the effect of missense changes on protein structure and function (SIFT, PolyPhen-2, Align-GVGD) all suggest that this variant is likely to be tolerated. ClinVar contains an entry for this variant (Variation ID: 647837). This variant has not been reported in the literature in individuals affected with PDGFRA-related conditions. This variant is not present in population databases (gnomAD no frequency). This sequence change replaces tyrosine, which is neutral and polar, with histidine, which is basic and polar, at codon 768 of the PDGFRA protein (p.Tyr768His).

NM_006206.6(PDGFRA):c.2302T>C (p.Tyr768His)

Gene: PDGFRA (platelet derived growth factor receptor alpha; plus strand). Cytogenetic location: 4q12.
Variant type: single nucleotide variant.
Coding change: c.2302T>C on transcript NM_006206.6 (MANE Select); coding-DNA position 2302, T replaced by C.
Protein change: p.Tyr768His; replaces tyrosine 768 with histidine.
Molecular consequence: missense variant.
Genome position (GRCh38, 1-based): chr4:54,280,461, T>C. VCF-style: chr4-54280461-T-C. GRCh37 (hg19) VCF-style: chr4-55146628-T-C.
Other names: c.2302T>C, p.Tyr768His (NM_001347827.2, NM_001347829.2); c.2377T>C, p.Tyr793His (NM_001347828.2); c.2341T>C, p.Tyr781His (NM_001347830.2); short protein forms Y793H, Y768H, Y781H.
Identifiers: ClinVar variation 647837 (VCV000647837.13), dbSNP rs778762046, ClinGen allele CA96863178.
Genomic context (GRCh38, chr4:54,280,461, plus strand): 5'-AGGAAAGAGGTTTCTAAATATTCCGACATCCAGAGATCACTCTATGATCGTCCAGCCTCA[T>C]ATAAGAAGAAATCTATGTTAGGTAAAAGTGTCTATACTCACTCTGGGTGTTGGGACTTTC-3'
Protein context (NP_006197.1, residues 758-778): QRSLYDRPAS[Tyr768His]KKKSMLDSEV